The following is an entry in ClinVar:

NM_152424.4(AMER1):c.85G>A (p.Ala29Thr)

Gene: AMER1 (APC membrane recruitment protein 1; minus strand). Cytogenetic location: Xq11.2.
Variant type: single nucleotide variant.
Coding change: c.85G>A on transcript NM_152424.4 (MANE Select); coding-DNA position 85, G replaced by A.
Protein change: p.Ala29Thr; replaces alanine 29 with threonine.
Molecular consequence: missense variant.
Genome position (GRCh38, 1-based): chrX:64,193,202, C>T on the plus strand (G>A on the coding strand, the complement: AMER1 is on the minus strand). VCF-style: chrX-64193202-C-T. GRCh37 (hg19) VCF-style: chrX-63413082-C-T.
Other names: short protein forms A29T.
Identifiers: ClinVar variation 133501 (VCV000133501.14), dbSNP rs138399473, ClinGen allele CA156704.

ClinVar aggregate classification (germline): Conflicting classifications of pathogenicity. Review status: criteria provided, conflicting classifications (1 of 4 stars). 5 submissions from 5 submitters: Uncertain significance (1); Benign (1). 3 of the submissions do not count toward it. Last evaluated 2026-01-13.

Conditions:
Osteopathia striata with cranial sclerosis (OSCS). Also called: HYPEROSTOSIS GENERALISATA WITH STRIATIONS. Identifiers: Orphanet 2780, MedGen C0432268, MONDO:0010310, OMIM 300373.

Allele frequency attached by ClinVar (database versions not stated): ESP Exome Variant Server 0.00066; gnomAD exomes 0.00093 and 0.00272; gnomAD 0.00183 and 0.00199; TOPMed 0.00209; ExAC 0.00284; 1000 Genomes Project 30x 0.00666; 1000 Genomes Project 0.00742.
gnomAD v4.1: 1,440 of 1,210,350 alleles (0.12%); highest among the groups gnomAD compares: East Asian, 3%; 16 homozygotes.

Submissions (5):

Labcorp Genetics (formerly Invitae), Labcorp
Classification: Benign. Last evaluated: 2026-01-13. Review status: criteria provided, single submitter. Criteria: Invitae Variant Classification Sherloc (09022015). Collection method: clinical testing. Allele origin: germline.

Mendelics
Classification: Uncertain significance for Osteopathia striata with cranial sclerosis. Last evaluated: 2019-05-28. Review status: criteria provided, single submitter. Criteria: Mendelics Assertion Criteria 2017. Collection method: clinical testing. Allele origin: unknown.

ITMI
No classification provided. Condition: AllHighlyPenetrant. Last evaluated: 2013-09-19. Review status: no classification provided. Collection method: reference population. Allele origin: germline. Not counted in ClinVar's aggregate classification.
Comment: Please see associated publication for description of ethnicities

Genome Diagnostics Laboratory, University Medical Center Utrecht
Classification: Benign. Review status: no assertion criteria provided. Collection method: clinical testing. Allele origin: germline. Affected: yes. Study: VKGL Data-share Consensus. Not counted in ClinVar's aggregate classification.

Laboratory of Diagnostic Genome Analysis, Leiden University Medical Center (LUMC)
Classification: Likely benign. Review status: no assertion criteria provided. Collection method: clinical testing. Allele origin: germline. Affected: yes. Study: VKGL Data-share Consensus. Not counted in ClinVar's aggregate classification.

Literature cited by the submitters: PubMed 24728327 (cited by ITMI).